The following is an entry in ClinVar:

ClinVar aggregate classification (germline): Uncertain significance (1 of 4 stars; one submission).

Allele frequency attached by ClinVar (database versions not stated): gnomAD exomes below 0.00001 and 0.00001.
gnomAD v4.1: 5 of 1,613,938 alleles (0.00031%); highest among the groups gnomAD compares: Admixed American, 0.0017%; no homozygotes.

Submission:

Labcorp Genetics (formerly Invitae), Labcorp
Classification: Uncertain significance. Last evaluated: 2021-09-04. Review status: criteria provided, single submitter. Criteria: Invitae Variant Classification Sherloc (09022015). Collection method: clinical testing. Allele origin: germline.
Comment: This variant is not present in population databases (ExAC no frequency). In summary, the available evidence is currently insufficient to determine the role of this variant in disease. Therefore, it has been classified as a Variant of Uncertain Significance. Algorithms developed to predict the effect of missense changes on protein structure and function are either unavailable or do not agree on the potential impact of this missense change (SIFT: "Not Available"; PolyPhen-2: "Possibly Damaging"; Align-GVGD: "Not Available"). This variant has not been reported in the literature in individuals affected with CDH3-related conditions. This sequence change replaces glycine with aspartic acid at codon 654 of the CDH3 protein (p.Gly654Asp). The glycine residue is highly conserved and there is a moderate physicochemical difference between glycine and aspartic acid.

NM_001793.6(CDH3):c.1961G>A (p.Gly654Asp)

Gene: CDH3 (cadherin 3; plus strand). Cytogenetic location: 16q22.1.
Variant type: single nucleotide variant.
Coding change: c.1961G>A on transcript NM_001793.6 (MANE Select); coding-DNA position 1961, G replaced by A.
Protein change: p.Gly654Asp; replaces glycine 654 with aspartic acid.
Molecular consequence: missense variant.
Genome position (GRCh38, 1-based): chr16:68,691,885, G>A. VCF-style: chr16-68691885-G-A. GRCh37 (hg19) VCF-style: chr16-68725788-G-A.
Other names: c.1961G>A, p.Gly654Asp (NM_001317195.3); c.1796G>A, p.Gly599Asp (NM_001317196.2); short protein forms G599D, G654D.
Identifiers: ClinVar variation 1463269 (VCV001463269.6), dbSNP rs1274478350, ClinGen allele CA396455776.
Genomic context (GRCh38, chr16:68,691,885, plus strand): 5'-GGGCCACTGTGTGCGACTGCCATGGCCATGTCGAAACCTGCCCTGGACCCTGGAAGGGAG[G>A]TTTCATCCTCCCTGTGCTGGGGGCTGTCCTGGCTCTGCTGTGTGAGTACCAGGCCCCCAC-3'
Protein context (NP_001784.2, residues 644-664): VETCPGPWKG[Gly654Asp]FILPVLGAVL